The following is an entry in ClinVar:

ClinVar aggregate classification (germline): Pathogenic. Review status: criteria provided, multiple submitters, no conflicts (2 of 4 stars). 4 submissions from 4 submitters: Pathogenic (2). 2 of the submissions do not count toward it. Last evaluated 2023-11-13.

Conditions:
Surfactant metabolism dysfunction, pulmonary, 1. Also called: INTERSTITIAL LUNG DISEASE DUE TO SURFACTANT PROTEIN B DEFICIENCY; INTERSTITIAL LUNG DISEASE, NONSPECIFIC, DUE TO SURFACTANT PROTEIN B DEFICIENCY; PULMONARY ALVEOLAR PROTEINOSIS, CONGENITAL, 1; Pulmonary surfactant protein B, deficiency of; Neonatal acute respiratory distress due to SP-B deficiency. Identifiers: Orphanet 217563, MedGen C1968602, MONDO:0009929, OMIM 265120.

Allele frequency attached by ClinVar (database versions not stated): ExAC 0.00017; gnomAD exomes 0.00022 and 0.00037; gnomAD 0.00025; ESP Exome Variant Server 0.00040.

Submissions (4):

Institute of Human Genetics, University of Leipzig Medical Center
Classification: Pathogenic for Surfactant metabolism dysfunction, pulmonary, 1. Last evaluated: 2023-11-13. Review status: criteria provided, single submitter. Criteria: ACMG Guidelines, 2015. Collection method: clinical testing. Allele origin: unknown. Inheritance: Autosomal recessive inheritance. Affected: yes.
Comment: Criteria applied: PVS1,PM2_SUP,PM3_SUP; complex delins g.85893772delinsTTCNM_000542.5:c.361delinsGAA, p.(Pro121Glufs*95)

Illumina Laboratory Services, Illumina
Classification: Pathogenic for Surfactant metabolism dysfunction, pulmonary, 1. Last evaluated: 2018-12-11. Review status: criteria provided, single submitter. Criteria: ICSL Variant Classification Criteria 09 May 2019. Collection method: clinical testing. Allele origin: germline.
Comment: The SFTPB c.397delCinsGAA (p.Pro133GlufsTer95) variant, also referred to as 121ins2, is a frameshift variant predicted to result in premature termination of the protein and is a known pathogenic variant that accounts for 60-70% of SFTPB variants in the US population (Rossi et al. 2013; Turcu et al. 2013; Kurath-Koller et al. 2015). Across a selection of available literature, the p.Pro133GlufsTer95 variant has been identified in seven individuals with pulmonary surfactant metabolism dysfunction, including six in a homozygous state and one in a compound heterozygous state (Nogee et al. 1994; Turcu et al. 2013). This includes three affected children from the same family whose parents were found to be heterozygous for the variant (Nogee et al. 1994). The p.Pro133GlufsTer95 variant was absent from 50 controls (Nogee et al. 1994) and is reported at a frequency of 0.00044 in the European (non-Finnish) population of the Genome Aggregation Database. Based on the evidence, the p.Pro133GlufsTer95 variant is classified as pathogenic for pulmonary surfactant metabolism dysfunction. This variant was observed by ICSL as part of a predisposition screen in an ostensibly healthy population.

Clinical Genetics DNA and cytogenetics Diagnostics Lab, Erasmus MC, Erasmus Medical Center
Classification: Pathogenic. Review status: no assertion criteria provided. Collection method: clinical testing. Allele origin: germline. Affected: yes. Study: VKGL Data-share Consensus. Not counted in ClinVar's aggregate classification.

Diagnostic Laboratory, Department of Genetics, University Medical Center Groningen
Classification: Pathogenic. Review status: no assertion criteria provided. Collection method: clinical testing. Allele origin: germline. Affected: yes. Study: VKGL Data-share Consensus. Not counted in ClinVar's aggregate classification.

Literature cited by the submitters: PubMed 26199800 (cited by Illumina Laboratory Services, Illumina); PubMed 21965505 (cited by Illumina Laboratory Services, Illumina); PubMed 23625987 (cited by Illumina Laboratory Services, Illumina); PubMed 8163685 (cited by Illumina Laboratory Services, Illumina).

NM_000542.5(SFTPB):c.361_362insAA (p.Pro121fs)

Gene: SFTPB (surfactant protein B; minus strand). Cytogenetic location: 2p11.2.
Variant type: Insertion.
Coding change: c.361_362insAA on transcript NM_000542.5 (MANE Select); coding-DNA positions 361 to 362, AA inserted.
Protein change: p.Pro121fs; shifts the reading frame from proline 121.
Molecular consequence: frameshift variant.
Genome position: GRCh38 VCF-style: chr2-85666648-G-GTT. GRCh37 (hg19) VCF-style: chr2-85893771-G-GTT.
Other names: c.361_362insAA, p.Pro121Glnfs (NM_001367281.2, NM_198843.4); short protein forms P121fs.
Identifiers: ClinVar variation 631868 (VCV000631868.16), dbSNP rs779795223, ClinGen allele CA1744086.